The following is an entry in ClinVar:

NM_001458.5(FLNC):c.2363C>T (p.Thr788Met)

Gene: FLNC (filamin C; plus strand). Cytogenetic location: 7q32.1.
Variant type: single nucleotide variant.
Coding change: c.2363C>T on transcript NM_001458.5 (MANE Select); coding-DNA position 2363, C replaced by T.
Protein change: p.Thr788Met; replaces threonine 788 with methionine.
Molecular consequence: missense variant.
Genome position (GRCh38, 1-based): chr7:128,842,672, C>T. VCF-style: chr7-128842672-C-T. GRCh37 (hg19) VCF-style: chr7-128482726-C-T.
Other names: c.2363C>T, p.Thr788Met (NM_001127487.2); short protein forms T788M.
Identifiers: ClinVar variation 1014708 (VCV001014708.9), dbSNP rs1010774264, ClinGen allele CA166175170.
Genomic context (GRCh38, chr7:128,842,672, plus strand): 5'-AGGTGTACGGCCCCGGAGTGGAGAAGACAGGCCTCAAGGCCAATGAGCCCACCTACTTCA[C>T]GGTGGACTGCAGCGAGGCGGGGCAAGGTGCGCCCAGCCGGAAGGGGTGGGTCTGGGAGGG-3'
Protein context (NP_001449.3, residues 778-798): GLKANEPTYF[Thr788Met]VDCSEAGQGD

ClinVar aggregate classification (germline): Uncertain significance (1 of 4 stars; one submission).

Conditions:
Hypertrophic cardiomyopathy 26. Also called: Cardiomyopathy, familial hypertrophic, 26. Identifiers: Orphanet 75249, MedGen C4310749, MONDO:0014883, OMIM 617047.
Distal myopathy with posterior leg and anterior hand involvement. Also called: WILLIAMS DISTAL MYOPATHY. Identifiers: Orphanet 63273, MedGen C3279722, MONDO:0013550, OMIM 614065.
Myofibrillar myopathy 5. Also called: FILAMINOPATHY, AUTOSOMAL DOMINANT; Filaminopathy (type). Identifiers: Orphanet 171445, MedGen C1836050, MONDO:0012289, OMIM 609524.

Allele frequency attached by ClinVar (database versions not stated): gnomAD 0.00001; TOPMed 0.00001.
gnomAD v4.1: 2 of 1,451,358 alleles (0.00014%); highest among the groups gnomAD compares: African/African-American, 0.0029%; no homozygotes.

Submission:

Labcorp Genetics (formerly Invitae), Labcorp
Classification: Uncertain significance for Distal myopathy with posterior leg and anterior hand involvement; Myofibrillar myopathy 5; Hypertrophic cardiomyopathy 26. Last evaluated: 2024-08-13. Review status: criteria provided, single submitter. Criteria: Invitae Variant Classification Sherloc (09022015). Collection method: clinical testing. Allele origin: germline.
Comment: This sequence change replaces threonine, which is neutral and polar, with methionine, which is neutral and non-polar, at codon 788 of the FLNC protein (p.Thr788Met). This variant is not present in population databases (gnomAD no frequency). This variant has not been reported in the literature in individuals affected with FLNC-related conditions. ClinVar contains an entry for this variant (Variation ID: 1014708). Advanced modeling of protein sequence and biophysical properties (such as structural, functional, and spatial information, amino acid conservation, physicochemical variation, residue mobility, and thermodynamic stability) has been performed at Invitae for this missense variant, however the output from this modeling did not meet the statistical confidence thresholds required to predict the impact of this variant on FLNC protein function. In summary, the available evidence is currently insufficient to determine the role of this variant in disease. Therefore, it has been classified as a Variant of Uncertain Significance.